The following is an entry in ClinVar:

NM_019892.6(INPP5E):c.986A>T (p.Tyr329Phe)

Gene: INPP5E (inositol polyphosphate-5-phosphatase E; minus strand). Cytogenetic location: 9q34.3.
Variant type: single nucleotide variant.
Coding change: c.986A>T on transcript NM_019892.6 (MANE Select); coding-DNA position 986, A replaced by T.
Protein change: p.Tyr329Phe; replaces tyrosine 329 with phenylalanine.
Molecular consequence: missense variant.
Genome position (GRCh38, 1-based): chr9:136,434,085, T>A on the plus strand (A>T on the coding strand, the complement: INPP5E is on the minus strand). VCF-style: chr9-136434085-T-A. GRCh37 (hg19) VCF-style: chr9-139328537-T-A.
Other names: c.986A>T, p.Tyr329Phe (NM_001318502.2); short protein forms Y329F.
Identifiers: ClinVar variation 958529 (VCV000958529.9), dbSNP rs372066816, ClinGen allele CA5337004.

ClinVar aggregate classification (germline): Uncertain significance (1 of 4 stars; one submission).

Conditions:
Joubert syndrome. Also called: Familial aplasia of the vermis; CEREBELLOPARENCHYMAL DISORDER IV; JOUBERT-BOLTSHAUSER SYNDROME. Identifiers: Orphanet 475, MedGen C5979921, MONDO:0018772.

gnomAD v4.1: 9 of 1,611,248 alleles (0.00056%); highest among the groups gnomAD compares: South Asian, 0.0088%; 1 homozygote.

Submission:

Labcorp Genetics (formerly Invitae), Labcorp
Classification: Uncertain significance for Joubert syndrome. Last evaluated: 2023-08-04. Review status: criteria provided, single submitter. Criteria: Invitae Variant Classification Sherloc (09022015). Collection method: clinical testing. Allele origin: germline.
Comment: Advanced modeling of protein sequence and biophysical properties (such as structural, functional, and spatial information, amino acid conservation, physicochemical variation, residue mobility, and thermodynamic stability) performed at Invitae indicates that this missense variant is not expected to disrupt INPP5E protein function. In summary, the available evidence is currently insufficient to determine the role of this variant in disease. Therefore, it has been classified as a Variant of Uncertain Significance. ClinVar contains an entry for this variant (Variation ID: 958529). This variant has not been reported in the literature in individuals affected with INPP5E-related conditions. This variant is present in population databases (rs372066816, gnomAD 0.01%). This sequence change replaces tyrosine, which is neutral and polar, with phenylalanine, which is neutral and non-polar, at codon 329 of the INPP5E protein (p.Tyr329Phe).